The following is an entry in ClinVar:

ClinVar aggregate classification (germline): Conflicting classifications of pathogenicity. Review status: criteria provided, conflicting classifications (1 of 4 stars). 10 submissions from 10 submitters: Uncertain significance (5); Likely benign (4). 1 of the submissions does not count toward it. Last evaluated 2026-01-28.

Conditions:
CAVIN1-related disorder. Also called: CAVIN1-related condition.
Monogenic diabetes. Identifiers: Orphanet 183625, MedGen C3888631, MONDO:0015967.
Congenital generalized lipodystrophy type 4. Also called: BERARDINELLI-SEIP CONGENITAL LIPODYSTROPHY, TYPE 4, WITH MUSCULAR DYSTROPHY. Identifiers: Orphanet 228429, MedGen C2750069, MONDO:0013225, OMIM 613327.

Allele frequency attached by ClinVar (database versions not stated): 1000 Genomes Project 30x 0.00031; 1000 Genomes Project 0.00040; gnomAD exomes 0.00106 and 0.00219; ExAC 0.00108; TOPMed 0.00118; gnomAD 0.00120 and 0.00122; ESP Exome Variant Server 0.00185.
gnomAD v4.1: 3,319 of 1,614,000 alleles (0.21%); highest among the groups gnomAD compares: Non-Finnish European, 0.27%; 3 homozygotes.

Submissions (10):

Labcorp Genetics (formerly Invitae), Labcorp
Classification: Likely benign. Last evaluated: 2026-01-28. Review status: criteria provided, single submitter. Criteria: Invitae Variant Classification Sherloc (09022015). Collection method: clinical testing. Allele origin: germline.

Mayo Clinic Laboratories, Mayo Clinic
Classification: Likely benign. Last evaluated: 2025-05-20. Review status: criteria provided, single submitter. Criteria: ACMG Guidelines, 2015. Collection method: clinical testing. Allele origin: germline. Observed: 5 variant alleles.
Comment: BS1, BP4, PM2_moderate

Athena Diagnostics
Classification: Likely benign. Last evaluated: 2024-03-19. Review status: criteria provided, single submitter. Criteria: Athena Diagnostics Criteria. Collection method: clinical testing. Allele origin: unknown.

GeneDx
Classification: Likely benign. Last evaluated: 2021-03-02. Review status: criteria provided, single submitter. Criteria: GeneDx Variant Classification Process June 2021. Collection method: clinical testing. Allele origin: germline. Affected: yes.
Comment: This variant is associated with the following publications: (PMID: 32041611, 33111339, 31604776)

CeGaT Center for Human Genetics Tuebingen
Classification: Uncertain significance. Last evaluated: 2020-03-01. Review status: criteria provided, single submitter. Criteria: CeGaT Center For Human Genetics Tuebingen Variant Classification Criteria Version 2. Collection method: clinical testing. Allele origin: germline. Affected: yes. Observed: 1 variant allele.

Illumina Laboratory Services, Illumina
Classification: Uncertain significance for Congenital generalized lipodystrophy type 4. Last evaluated: 2018-01-12. Review status: criteria provided, single submitter. Criteria: ICSL Variant Classification Criteria 13 December 2019. Collection method: clinical testing. Allele origin: germline.

Personalized Diabetes Medicine Program, University of Maryland School of Medicine
Classification: Uncertain significance for Monogenic diabetes. Last evaluated: 2017-12-15. Review status: criteria provided, single submitter. Criteria: ACMG Guidelines, 2015. Collection method: research. Allele origin: unknown. Observed: 1 variant allele, 1 heterozygote.
Comment: ACMG criteria: PP3 (5 predictors), BP4 (5 predictors) = VUS

Eurofins Ntd Llc (ga)
Classification: Uncertain significance. Last evaluated: 2016-04-07. Review status: criteria provided, single submitter. Criteria: EGL Classification Definitions 2015. Collection method: clinical testing. Allele origin: germline. Observed: 2 variant alleles, 2 heterozygotes.

Genetic Services Laboratory, University of Chicago
Classification: Uncertain significance. Last evaluated: 2014-12-16. Review status: criteria provided, single submitter. Criteria: ACMG Guidelines, 2015. Collection method: clinical testing. Allele origin: germline.

PreventionGenetics, part of Exact Sciences
Classification: Likely benign for CAVIN1-related condition. Last evaluated: 2023-04-25. Review status: no assertion criteria provided. Collection method: clinical testing. Allele origin: germline. Not counted in ClinVar's aggregate classification.
Comment: This variant is classified as likely benign based on ACMG/AMP sequence variant interpretation guidelines (Richards et al. 2015 PMID: 25741868, with internal and published modifications).

Literature cited by the submitters: PubMed 31604776 (cited by Mayo Clinic Laboratories, Mayo Clinic and Athena Diagnostics); PubMed 32041611 (cited by Mayo Clinic Laboratories, Mayo Clinic and Athena Diagnostics); PubMed 33111339 (cited by Mayo Clinic Laboratories, Mayo Clinic and Athena Diagnostics).

NM_012232.6(CAVIN1):c.923A>G (p.Tyr308Cys)

Gene: CAVIN1 (caveolae associated protein 1; minus strand). Cytogenetic location: 17q21.2.
Variant type: single nucleotide variant.
Coding change: c.923A>G on transcript NM_012232.6 (MANE Select); coding-DNA position 923, A replaced by G.
Protein change: p.Tyr308Cys; replaces tyrosine 308 with cysteine.
Molecular consequence: missense variant.
Genome position (GRCh38, 1-based): chr17:42,404,937, T>C on the plus strand (A>G on the coding strand, the complement: CAVIN1 is on the minus strand). VCF-style: chr17-42404937-T-C. GRCh37 (hg19) VCF-style: chr17-40556955-T-C.
Other names: p.Tyr308Cys; short protein forms Y308C.
Identifiers: ClinVar variation 211974 (VCV000211974.64), dbSNP rs146799286, ClinGen allele CA209797.